The following is an entry in ClinVar:

ClinVar aggregate classification (germline): Pathogenic (1 of 4 stars; one submission).

Submission:

GeneDx
Classification: Pathogenic. Last evaluated: 2016-01-06. Review status: criteria provided, single submitter. Criteria: GeneDx Variant Classification (06012015). Collection method: clinical testing. Allele origin: germline. Affected: yes.
Comment: The c.1043_1044delCT pathogenic variant in the CTNNB1 gene has not been reported previously as a pathogenic variant nor as a benign variant, to our knowledge. The c.1043_1044delCT variant causes a frameshift starting with codon Serine 348, changes this amino acid to a Cysteine residue, and creates a premature Stop codon at position 4 of the new reading frame, denoted p.Ser348CysfsX4. This variant is predicted to cause loss of normal protein function either through protein truncation or nonsense-mediated mRNA decay. The c.1043_1044delCT variant was not observed in approximately 6,500 individuals of European and African American ancestry in the NHLBI Exome Sequencing Project, indicating it is not a common benign variant in these populations. We interpret c.1043_1044delCT as a pathogenic variant.

NM_001904.4(CTNNB1):c.1043_1044del (p.Ser348fs)

Gene: CTNNB1 (catenin beta 1; plus strand). Cytogenetic location: 3p22.1.
Variant type: Deletion.
Coding change: c.1043_1044del on transcript NM_001904.4 (MANE Select); coding-DNA positions 1043 to 1044, 2 bases deleted (CT; older notation c.1043_1044delCT).
Protein change: p.Ser348fs; shifts the reading frame from serine 348.
Molecular consequence: frameshift variant.
Genome position (GRCh38, 1-based): chr3:41,227,314-41,227,315, CT deleted; deleting any 2 consecutive bases within chr3:41,227,313-41,227,315 gives the same sequence; the c. name uses the placement nearest the transcript's 3' end. VCF-style (leftmost placement, unchanged base first): chr3-41227312-ATC-A. GRCh37 (hg19) VCF-style: chr3-41268803-ATC-A.
Other names: c.1043_1044del, p.Ser348fs (NM_001098209.2, NM_001098210.2); c.1022_1023del, p.Ser341fs (NM_001330729.2); short protein forms S348fs, S341fs.
Identifiers: ClinVar variation 280194 (VCV000280194.2), dbSNP rs886041444, ClinGen allele CA10602882.
Genomic context (GRCh38, chr3:41,227,312, plus strand): 5'-AATGAGGACCTATACTTACGAAAAACTACTGTGGACCACAAGCAGAGTGCTGAAGGTGCT[ATC>A]TGTCTGCTCTAGTAATAAGCCGGCTATTGTAGAAGCTGGTAAGTATATGTATCTATTCTG-3'